The following is an entry in ClinVar:

ClinVar aggregate classification (germline): Likely benign (0 of 4 stars; one submission).

Conditions:
CCL11-related disorder. Also called: CCL11-related condition.

gnomAD v4.1: 3 of 1,612,968 alleles (0.00019%); highest among the groups gnomAD compares: Admixed American, 0.005%; no homozygotes.

Submission:

PreventionGenetics, part of Exact Sciences
Classification: Likely benign for CCL11-related condition. Last evaluated: 2019-06-05. Review status: no assertion criteria provided. Collection method: clinical testing. Allele origin: germline.
Comment: This variant is classified as likely benign based on ACMG/AMP sequence variant interpretation guidelines (Richards et al. 2015 PMID: 25741868, with internal and published modifications).

NM_002986.3(CCL11):c.84C>G (p.Val28=)

Gene: CCL11 (C-C motif chemokine ligand 11; plus strand). Cytogenetic location: 17q12.
Variant type: single nucleotide variant.
Coding change: c.84C>G on transcript NM_002986.3 (MANE Select); coding-DNA position 84, C replaced by G.
Protein change: p.Val28=; no amino-acid change (valine 28 retained).
Molecular consequence: synonymous variant.
Genome position (GRCh38, 1-based): chr17:34,287,103, C>G. VCF-style: chr17-34287103-C-G. GRCh37 (hg19) VCF-style: chr17-32614122-C-G.
Identifiers: ClinVar variation 3038823 (VCV003038823.2), dbSNP rs375131716, ClinGen allele CA499713921.